The following is an entry in ClinVar:

NM_006393.3(NEBL):c.1572del (p.Lys525fs)

Gene: NEBL (nebulette; minus strand). Cytogenetic location: 10p12.31.
Variant type: Deletion.
Coding change: c.1572del on transcript NM_006393.3 (MANE Select); coding-DNA position 1572, one base deleted (G; older notation c.1572delG).
Protein change: p.Lys525fs; shifts the reading frame from lysine 525.
Molecular consequence: frameshift variant. On other transcripts: intron variant (9).
Genome position (GRCh38, 1-based): chr10:20,831,295, C deleted on the plus strand (G on the coding strand, the reverse complement: NEBL is on the minus strand). VCF-style (leftmost placement, unchanged base first): chr10-20831294-TC-T. GRCh37 (hg19) VCF-style: chr10-21120223-TC-T.
Other names: c.250-18355del (NM_001377326.1, NM_001377327.1, NM_001377328.1); c.358-18355del (NM_213569.2, NM_001173484.2, NM_001377322.1); c.301-18355del (NM_001377324.1); c.292-18355del (NM_001377325.1); c.310-18355del (NM_001377323.1); short protein forms K525fs.
Identifiers: ClinVar variation 1415709 (VCV001415709.6), dbSNP rs879600856, ClinGen allele CA204164055.

ClinVar aggregate classification (germline): Uncertain significance (1 of 4 stars; one submission).

Conditions:
Primary dilated cardiomyopathy (DCM). Also called: Dilated Cardiomyopathy. Identifiers: Orphanet 217604, MedGen C0007193, MeSH D002311, MONDO:0005021, HP:0001644. Inheritance: Various modes of inheritance.

Allele frequency attached by ClinVar (database versions not stated): gnomAD exomes 0.00001.

Submission:

Labcorp Genetics (formerly Invitae), Labcorp
Classification: Uncertain significance for Primary dilated cardiomyopathy. Last evaluated: 2025-09-27. Review status: criteria provided, single submitter. Criteria: Invitae Variant Classification Sherloc (09022015). Collection method: clinical testing. Allele origin: germline.
Comment: This sequence change creates a premature translational stop signal (p.Lys525Argfs*3) in the NEBL gene. It is expected to result in an absent or disrupted protein product. However, the current clinical and genetic evidence is not sufficient to establish whether loss-of-function variants in NEBL cause disease. This variant is not present in population databases (gnomAD no frequency). This variant has not been reported in the literature in individuals affected with NEBL-related conditions. ClinVar contains an entry for this variant (Variation ID: 1415709). In summary, the available evidence is currently insufficient to determine the role of this variant in disease. Therefore, it has been classified as a Variant of Uncertain Significance.